The following is an entry in ClinVar:

NM_006949.4(STXBP2):c.788C>T (p.Thr263Ile)

Gene: STXBP2 (syntaxin binding protein 2; plus strand). Cytogenetic location: 19p13.2.
Variant type: single nucleotide variant.
Coding change: c.788C>T on transcript NM_006949.4 (MANE Select); coding-DNA position 788, C replaced by T.
Protein change: p.Thr263Ile; replaces threonine 263 with isoleucine.
Molecular consequence: missense variant. On other transcripts: non-coding transcript variant (1).
Genome position (GRCh38, 1-based): chr19:7,642,327, C>T. VCF-style: chr19-7642327-C-T. GRCh37 (hg19) VCF-style: chr19-7707213-C-T.
Other names: c.779C>T, p.Thr260Ile (NM_001127396.3); c.821C>T, p.Thr274Ile (NM_001272034.2); short protein forms T263I, T274I, T260I.
Identifiers: ClinVar variation 1439540 (VCV001439540.8), dbSNP rs970906050, ClinGen allele CA304907396.

ClinVar aggregate classification (germline): Uncertain significance (1 of 4 stars; one submission).

Conditions:
Familial hemophagocytic lymphohistiocytosis 5. Also called: STXBP2-Related Familial Hemophagocytic Lymphohistiocytosis (STXBP2-fHLH). Identifiers: Orphanet 540, MedGen C2751293, MONDO:0013135, OMIM 613101.

Allele frequency attached by ClinVar (database versions not stated): gnomAD exomes below 0.00001; gnomAD 0.00001; TOPMed 0.00001.
gnomAD v4.1: 3 of 1,613,780 alleles (0.00019%); highest among the groups gnomAD compares: Admixed American, 0.0033%; no homozygotes.

Submission:

Labcorp Genetics (formerly Invitae), Labcorp
Classification: Uncertain significance for Familial hemophagocytic lymphohistiocytosis 5. Last evaluated: 2021-06-06. Review status: criteria provided, single submitter. Criteria: Invitae Variant Classification Sherloc (09022015). Collection method: clinical testing. Allele origin: germline.
Comment: This sequence change replaces threonine with isoleucine at codon 263 of the STXBP2 protein (p.Thr263Ile). The threonine residue is moderately conserved and there is a moderate physicochemical difference between threonine and isoleucine. This variant is not present in population databases (ExAC no frequency). This variant has not been reported in the literature in individuals with STXBP2-related disease. Algorithms developed to predict the effect of missense changes on protein structure and function (SIFT, PolyPhen-2, Align-GVGD) all suggest that this variant is likely to be tolerated, but these predictions have not been confirmed by published functional studies and their clinical significance is uncertain. In summary, the available evidence is currently insufficient to determine the role of this variant in disease. Therefore, it has been classified as a Variant of Uncertain Significance.